The following is an entry in ClinVar:

NM_001792.5(CDH2):c.50C>T (p.Ala17Val)

Gene: CDH2 (cadherin 2; minus strand). Cytogenetic location: 18q12.1.
Variant type: single nucleotide variant.
Coding change: c.50C>T on transcript NM_001792.5 (MANE Select); coding-DNA position 50, C replaced by T.
Protein change: p.Ala17Val; replaces alanine 17 with valine.
Molecular consequence: missense variant.
Genome position (GRCh38, 1-based): chr18:28,176,973, G>A on the plus strand (C>T on the coding strand, the complement: CDH2 is on the minus strand). VCF-style: chr18-28176973-G-A. GRCh37 (hg19) VCF-style: chr18-25756937-G-A.
Other names: short protein forms A17V.
Identifiers: ClinVar variation 2992867 (VCV002992867.3), dbSNP rs1219438806, ClinGen allele CA402245052.

ClinVar aggregate classification (germline): Uncertain significance (1 of 4 stars; one submission).

Allele frequency attached by ClinVar (database versions not stated): gnomAD 0.00001; TOPMed 0.00003.
gnomAD v4.1: 4 of 1,432,450 alleles (0.00028%); highest among the groups gnomAD compares: African/African-American, 0.0015%; no homozygotes.

Submission:

Labcorp Genetics (formerly Invitae), Labcorp
Classification: Uncertain significance. Last evaluated: 2026-01-07. Review status: criteria provided, single submitter. Criteria: Invitae Variant Classification Sherloc (09022015). Collection method: clinical testing. Allele origin: germline.
Comment: This sequence change replaces alanine, which is neutral and non-polar, with valine, which is neutral and non-polar, at codon 17 of the CDH2 protein (p.Ala17Val). The frequency data for this variant in the population databases is considered unreliable, as metrics indicate poor data quality at this position in the gnomAD database. This variant has not been reported in the literature in individuals affected with CDH2-related conditions. ClinVar contains an entry for this variant (Variation ID: 2992867). An algorithm developed to predict the effect of missense changes on protein structure and function (PolyPhen-2) suggests that this variant is likely to be disruptive. In summary, the available evidence is currently insufficient to determine the role of this variant in disease. Therefore, it has been classified as a Variant of Uncertain Significance.